The following is an entry in ClinVar:

ClinVar aggregate classification (germline): Uncertain significance (1 of 4 stars; one submission).

Conditions:
Developmental and epileptic encephalopathy, 36 (DEE36). Also called: ALG13-CDG; Congenital disorder of glycosylation, type Is; Epileptic encephalopathy, early infantile, 36. Identifiers: Orphanet 324422, MedGen C4317295, MONDO:0010472, OMIM 300884.

Allele frequency attached by ClinVar (database versions not stated): gnomAD 0.00001; TOPMed 0.00001.
gnomAD v4.1: 1 of 1,208,768 alleles (0.000083%); highest among the groups gnomAD compares: Admixed American, 0.0022%; no homozygotes.

Submission:

Labcorp Genetics (formerly Invitae), Labcorp
Classification: Uncertain significance for Developmental and epileptic encephalopathy, 36. Last evaluated: 2022-02-05. Review status: criteria provided, single submitter. Criteria: Invitae Variant Classification Sherloc (09022015). Collection method: clinical testing. Allele origin: germline.
Comment: In summary, the available evidence is currently insufficient to determine the role of this variant in disease. Therefore, it has been classified as a Variant of Uncertain Significance. Algorithms developed to predict the effect of missense changes on protein structure and function are either unavailable or do not agree on the potential impact of this missense change (SIFT: "Deleterious"; PolyPhen-2: "Benign"; Align-GVGD: "Class C0"). ClinVar contains an entry for this variant (Variation ID: 944822). This variant has not been reported in the literature in individuals affected with ALG13-related conditions. This variant is not present in population databases (gnomAD no frequency). This sequence change replaces proline, which is neutral and non-polar, with serine, which is neutral and polar, at codon 544 of the ALG13 protein (p.Pro544Ser).

NM_001099922.3(ALG13):c.1630C>T (p.Pro544Ser)

Gene: ALG13 (ALG13 UDP-N-acetylglucosaminyltransferase subunit; plus strand). Cytogenetic location: Xq23.
Variant type: single nucleotide variant.
Coding change: c.1630C>T on transcript NM_001099922.3 (MANE Select); coding-DNA position 1630, C replaced by T.
Protein change: p.Pro544Ser; replaces proline 544 with serine.
Molecular consequence: missense variant. On other transcripts: non-coding transcript variant (1).
Genome position (GRCh38, 1-based): chrX:111,724,962, C>T. VCF-style: chrX-111724962-C-T. GRCh37 (hg19) VCF-style: chrX-110968190-C-T.
Other names: c.1318C>T, p.Pro440Ser (NM_001257230.2, NM_001257234.2, NM_001257237.2); c.1396C>T, p.Pro466Ser (NM_001257231.2); c.1630C>T, p.Pro544Ser (NM_001324292.2); c.1144C>T, p.Pro382Ser (NM_001324293.1); short protein forms P382S, P440S, P466S, P544S.
Identifiers: ClinVar variation 944822 (VCV000944822.10), dbSNP rs1941811792, ClinGen allele CA414252175.